The following is an entry in ClinVar:

NM_001267550.2(TTN):c.2035A>G (p.Met679Val)

Gene: TTN (titin; minus strand). Cytogenetic location: 2q31.2.
Variant type: single nucleotide variant.
Coding change: c.2035A>G on transcript NM_001267550.2 (MANE Select); coding-DNA position 2035, A replaced by G.
Protein change: p.Met679Val; replaces methionine 679 with valine.
Molecular consequence: missense variant.
Genome position (GRCh38, 1-based): chr2:178,789,401, T>C on the plus strand (A>G on the coding strand, the complement: TTN is on the minus strand). VCF-style: chr2-178789401-T-C. GRCh37 (hg19) VCF-style: chr2-179654128-T-C.
Other names: c.2035A>G, p.Met679Val (NM_001256850.1, NM_133378.4, NM_133379.5); c.1897A>G, p.Met633Val (NM_003319.4, NM_133432.3, NM_133437.4); short protein forms M679V, M633V.
Identifiers: ClinVar variation 512895 (VCV000512895.1), dbSNP rs1554027460, ClinGen allele CA349504893.

ClinVar aggregate classification (germline): Likely benign (1 of 4 stars; one submission).

Allele frequency attached by ClinVar (database versions not stated): gnomAD exomes below 0.00001.
gnomAD v4.1: 3 of 1,613,426 alleles (0.00019%); highest among the groups gnomAD compares: Non-Finnish European, 0.00025%; no homozygotes.

Submission:

GeneDx
Classification: Likely benign. Last evaluated: 2017-10-18. Review status: criteria provided, single submitter. Criteria: GeneDx Variant Classification (06012015). Collection method: clinical testing. Allele origin: germline. Affected: yes.
Comment: This variant is considered likely benign or benign based on one or more of the following criteria: it is a conservative change, it occurs at a poorly conserved position in the protein, it is predicted to be benign by multiple in silico algorithms, and/or has population frequency not consistent with disease.